The following is an entry in ClinVar:

ClinVar aggregate classification (germline): Conflicting classifications of pathogenicity. Review status: criteria provided, conflicting classifications (1 of 4 stars). 5 submissions from 5 submitters: Uncertain significance (4); Likely benign (1). Last evaluated 2026-06-03.

Conditions:
ADGRV1-related disorder. Also called: ADGRV1-related disorders; ADGRV1-related condition.

Allele frequency attached by ClinVar (database versions not stated): ExAC 0.00003; ESP Exome Variant Server 0.00008; gnomAD exomes 0.00002.
gnomAD v4.1: 72 of 1,613,434 alleles (0.0045%); highest among the groups gnomAD compares: South Asian, 0.0055%; no homozygotes.

Submissions (5):

PreventionGenetics, part of Exact Sciences
Classification: Uncertain significance for ADGRV1-related condition. Last evaluated: 2026-06-03. Review status: criteria provided, single submitter. Criteria: ACMG Guidelines, 2015. Collection method: clinical testing. Allele origin: germline.
Comment: The ADGRV1 c.1505C>T variant is predicted to result in the amino acid substitution p.Ala502Val. To our knowledge, this variant has not been reported in the literature. This variant is reported in 0.0041% of alleles in individuals of African descent in gnomAD. At this time, the clinical significance of this variant is uncertain due to the absence of conclusive functional and genetic evidence.

Labcorp Genetics (formerly Invitae), Labcorp
Classification: Likely benign. Last evaluated: 2026-01-05. Review status: criteria provided, single submitter. Criteria: Invitae Variant Classification Sherloc (09022015). Collection method: clinical testing. Allele origin: germline.

Blueprint Genetics
Classification: Uncertain significance. Last evaluated: 2024-08-26. Review status: criteria provided, single submitter. Criteria: ACMG Guidelines, 2015. Collection method: clinical testing. Allele origin: germline.

Genetic Services Laboratory, University of Chicago
Classification: Uncertain significance. Last evaluated: 2015-07-15. Review status: criteria provided, single submitter. Criteria: ACMG Guidelines, 2015. Collection method: clinical testing. Allele origin: germline.

Laboratory for Molecular Medicine, Mass General Brigham Personalized Medicine
Classification: Uncertain significance. Last evaluated: 2012-06-26. Review status: criteria provided, single submitter. Criteria: LMM Criteria. Collection method: clinical testing. Allele origin: germline. Observed: 1 variant allele.
Comment: Variant classified as Uncertain Significance - Favor Benign. The Ala502Val varia nt in GPR98 has not been reported in the literature nor previously identified by our laboratory but has been identified in 1/6702 (0.01%) European American chro mosomes from a broad, though clinically unspecified population (NHLBI Exome Sequ encing Project). Computational analyses (bioch emical amino acid properties, conservation, AlignGVGD, PolyPhen2, and SIFT) sugg est that the Ala502Val variant may not impact the protein, though this informati on is not predictive enough to rule out pathogenicity. The presence of this vari ant in an individual with another likely explanation for hearing loss decreases the likelihood that the Ala502Val variant is pathogenic. In summary, the clinica l significance of this variant cannot be determined with certainty; however base d upon the computation predictions, presence in the general population and alter nate explanation for hearing loss, we would lean towards a more likely benign ro le.

NM_032119.4(ADGRV1):c.1505C>T (p.Ala502Val)

Gene: ADGRV1 (adhesion G protein-coupled receptor V1; plus strand). Cytogenetic location: 5q14.3.
Variant type: single nucleotide variant.
Coding change: c.1505C>T on transcript NM_032119.4 (MANE Select); coding-DNA position 1505, C replaced by T.
Protein change: p.Ala502Val; replaces alanine 502 with valine.
Molecular consequence: missense variant. On other transcripts: non-coding transcript variant (1).
Genome position (GRCh38, 1-based): chr5:90,628,828, C>T. VCF-style: chr5-90628828-C-T. GRCh37 (hg19) VCF-style: chr5-89924645-C-T.
Other names: short protein forms A502V.
Identifiers: ClinVar variation 46276 (VCV000046276.15), dbSNP rs367826825, ClinGen allele CA138040.